The following is an entry in ClinVar:

ClinVar aggregate classification (germline): Uncertain significance (1 of 4 stars; one submission).

Conditions:
Hereditary cancer-predisposing syndrome. Also called: Neoplastic Syndromes, Hereditary; Tumor predisposition; Hereditary Cancer Syndrome; Hereditary neoplastic syndrome. Identifiers: Orphanet 140162, MedGen C0027672, MeSH D009386, MONDO:0015356.

Submission:

Ambry Genetics
Classification: Uncertain significance for Hereditary cancer-predisposing syndrome. Last evaluated: 2021-09-01. Review status: criteria provided, single submitter. Criteria: Ambry Variant Classification Scheme 2023. Collection method: clinical testing. Allele origin: germline.
Comment: The p.D299G variant (also known as c.896A>G), located in coding exon 2 of the AXIN2 gene, results from an A to G substitution at nucleotide position 896. The aspartic acid at codon 299 is replaced by glycine, an amino acid with similar properties. This amino acid position is conserved. In addition, this alteration is predicted to be deleterious by in silico analysis. Since supporting evidence is limited at this time, the clinical significance of this alteration remains unclear.

NM_004655.4(AXIN2):c.896A>G (p.Asp299Gly)

Gene: AXIN2 (axin 2; minus strand). Cytogenetic location: 17q24.1.
Variant type: single nucleotide variant.
Coding change: c.896A>G on transcript NM_004655.4 (MANE Select); coding-DNA position 896, A replaced by G.
Protein change: p.Asp299Gly; replaces aspartic acid 299 with glycine.
Molecular consequence: missense variant.
Genome position (GRCh38, 1-based): chr17:65,549,580, T>C on the plus strand (A>G on the coding strand, the complement: AXIN2 is on the minus strand). VCF-style: chr17-65549580-T-C. GRCh37 (hg19) VCF-style: chr17-63545698-T-C.
Other names: c.896A>G, p.Asp299Gly (NM_001363813.1); short protein forms D299G.
Identifiers: ClinVar variation 1765272 (VCV001765272.2), dbSNP rs2144538696, ClinGen allele CA400679547.